The following is an entry in ClinVar:

ClinVar aggregate classification (germline): Uncertain significance (1 of 4 stars; one submission).

Submission:

Ambry Genetics
Classification: Uncertain significance. Last evaluated: 2026-08-02. Review status: criteria provided, single submitter. Criteria: Ambry Variant Classification Scheme 2023. Collection method: clinical testing. Allele origin: germline.
Comment: The p.Q266P variant (also known as c.797A>C), located in coding exon 6 of the RECQL gene, results from an A to C substitution at nucleotide position 797. The glutamine at codon 266 is replaced by proline, an amino acid with similar properties. This amino acid position is conserved. In addition, the in silico prediction for this alteration is inconclusive. Based on the available evidence, the clinical significance of this variant remains unclear.

NM_002907.4(RECQL):c.797A>C (p.Gln266Pro)

Gene: RECQL (RecQ like helicase; minus strand). Cytogenetic location: 12p12.1.
Variant type: single nucleotide variant.
Coding change: c.797A>C on transcript NM_002907.4 (MANE Select); coding-DNA position 797, A replaced by C.
Protein change: p.Gln266Pro; replaces glutamine 266 with proline.
Molecular consequence: missense variant.
Genome position (GRCh38, 1-based): chr12:21,477,873, T>G on the plus strand (A>C on the coding strand, the complement: RECQL is on the minus strand). VCF-style: chr12-21477873-T-G. GRCh37 (hg19) VCF-style: chr12-21630807-T-G.
Other names: c.797A>C, p.Gln266Pro (NM_032941.3); short protein forms Q266P.
Identifiers: ClinVar variation 5028051 (VCV005028051.1).